The following is an entry in ClinVar:

ClinVar aggregate classification (germline): Uncertain significance (1 of 4 stars; one submission).

Submission:

Labcorp Genetics (formerly Invitae), Labcorp
Classification: Uncertain significance. Last evaluated: 2022-07-30. Review status: criteria provided, single submitter. Criteria: Invitae Variant Classification Sherloc (09022015). Collection method: clinical testing. Allele origin: germline.
Comment: This sequence change replaces glutamic acid, which is acidic and polar, with aspartic acid, which is acidic and polar, at codon 858 of the POLE protein (p.Glu858Asp). This variant is not present in population databases (gnomAD no frequency). This variant has not been reported in the literature in individuals affected with POLE-related conditions. Algorithms developed to predict the effect of missense changes on protein structure and function (SIFT, PolyPhen-2, Align-GVGD) all suggest that this variant is likely to be disruptive. In summary, the available evidence is currently insufficient to determine the role of this variant in disease. Therefore, it has been classified as a Variant of Uncertain Significance.

NM_006231.4(POLE):c.2574G>C (p.Glu858Asp)

Gene: POLE (DNA polymerase epsilon, catalytic subunit; minus strand). Cytogenetic location: 12q24.33.
Variant type: single nucleotide variant.
Coding change: c.2574G>C on transcript NM_006231.4 (MANE Select); coding-DNA position 2574, G replaced by C.
Protein change: p.Glu858Asp; replaces glutamic acid 858 with aspartic acid.
Molecular consequence: missense variant.
Genome position (GRCh38, 1-based): chr12:132,664,136, C>G on the plus strand (G>C on the coding strand, the complement: POLE is on the minus strand). VCF-style: chr12-132664136-C-G. GRCh37 (hg19) VCF-style: chr12-133240722-C-G.
Other names: short protein forms E858D.
Identifiers: ClinVar variation 1714290 (VCV001714290.5), dbSNP rs2542063763, ClinGen allele CA387395901.